The following is an entry in ClinVar:

ClinVar aggregate classification (germline): Likely benign. Review status: criteria provided, multiple submitters, no conflicts (2 of 4 stars). 2 submissions from 2 submitters: Likely benign (2). Last evaluated 2024-10-22.

Conditions:
Birt-Hogg-Dube syndrome. Also called: Birt Hogg Dubé syndrome. Identifiers: Orphanet 122, MedGen C0346010, MONDO:0800444.
Birt-Hogg-Dube syndrome 1 (BHD1). Also called: FIBROFOLLICULOMAS WITH TRICHODISCOMAS AND ACROCHORDONS. Identifiers: Orphanet 122, MedGen CN375946, MONDO:0800445, OMIM 135150.

Allele frequency attached by ClinVar (database versions not stated): gnomAD exomes below 0.00001.
gnomAD v4.1: 2 of 1,614,098 alleles (0.00012%); highest among the groups gnomAD compares: Non-Finnish European, 0.00017%; no homozygotes.

Submissions (2):

Myriad Genetics, Inc.
Classification: Likely benign for Birt-Hogg-Dube syndrome 1. Last evaluated: 2024-10-22. Review status: criteria provided, single submitter. Criteria: Myriad Autosomal Dominant, Autosomal Recessive and X-Linked Classification Criteria (2023). Collection method: clinical testing. Allele origin: unknown.
Comment: This variant is considered likely benign. This variant is intronic and is not expected to impact mRNA splicing.

Labcorp Genetics (formerly Invitae), Labcorp
Classification: Likely benign for Birt-Hogg-Dube syndrome. Last evaluated: 2024-01-11. Review status: criteria provided, single submitter. Criteria: Invitae Variant Classification Sherloc (09022015). Collection method: clinical testing. Allele origin: germline.

NM_144997.7(FLCN):c.249+10T>C

Gene: FLCN (folliculin; minus strand). Cytogenetic location: 17p11.2.
Variant type: single nucleotide variant.
Coding change: c.249+10T>C on transcript NM_144997.7 (MANE Select); 10 bases into the intron after coding-DNA position 249, T replaced by C.
Molecular consequence: intron variant.
Genome position (GRCh38, 1-based): chr17:17,227,879, A>G on the plus strand (T>C on the coding strand, the complement: FLCN is on the minus strand). VCF-style: chr17-17227879-A-G. GRCh37 (hg19) VCF-style: chr17-17131193-A-G.
Other names: c.249+10T>C (NM_001353231.2, NM_001353230.2, NM_001353229.2 and 1 more transcripts).
Identifiers: ClinVar variation 2058276 (VCV002058276.5), dbSNP rs2145037854, ClinGen allele CA2580092675.